The following is an entry in ClinVar:

NM_001257180.2(SLC20A2):c.857C>G (p.Pro286Arg)

Gene: SLC20A2 (solute carrier family 20 member 2; minus strand). Cytogenetic location: 8p11.21.
Variant type: single nucleotide variant.
Coding change: c.857C>G on transcript NM_001257180.2 (MANE Select); coding-DNA position 857, C replaced by G.
Protein change: p.Pro286Arg; replaces proline 286 with arginine.
Molecular consequence: missense variant.
Genome position (GRCh38, 1-based): chr8:42,439,527, G>C on the plus strand (C>G on the coding strand, the complement: SLC20A2 is on the minus strand). VCF-style: chr8-42439527-G-C. GRCh37 (hg19) VCF-style: chr8-42297045-G-C.
Other names: c.857C>G, p.Pro286Arg (NM_001257181.2, NM_006749.5); c.857C>G (NM_006749.3); short protein forms P286R.
Identifiers: ClinVar variation 856453 (VCV000856453.9), dbSNP rs781554326, ClinGen allele CA175978703.

ClinVar aggregate classification (germline): Uncertain significance. Review status: criteria provided, multiple submitters, no conflicts (2 of 4 stars). 3 submissions from 3 submitters: Uncertain significance (3). Last evaluated 2023-07-26.

Conditions:
Idiopathic basal ganglia calcification 1 (PFBC1A). Also called: Familial Idiopathic Basal Ganglia Calcification 3; Primary Familial Brain Calcification; Familial Idiopathic Basal Ganglia Calcification 2; PRIMARY FAMILIAL BRAIN CALCIFICATION 1A, AUTOSOMAL DOMINANT; Fahr's syndrome; Cerebral calcification nonarteriosclerotic idiopathic adult-onset. Identifiers: Orphanet 1980, MedGen C4551624, MONDO:0024538, OMIM 213600.
Inborn genetic diseases. Identifiers: MedGen C0950123, MeSH D030342.

Allele frequency attached by ClinVar (database versions not stated): TOPMed 0.00002.
gnomAD v4.1: 15 of 1,614,094 alleles (0.00093%); highest among the groups gnomAD compares: Admixed American, 0.012%; no homozygotes.

Submissions (3):

Labcorp Genetics (formerly Invitae), Labcorp
Classification: Uncertain significance. Last evaluated: 2023-07-26. Review status: criteria provided, single submitter. Criteria: Invitae Variant Classification Sherloc (09022015). Collection method: clinical testing. Allele origin: germline.
Comment: In summary, the available evidence is currently insufficient to determine the role of this variant in disease. Therefore, it has been classified as a Variant of Uncertain Significance. Advanced modeling of protein sequence and biophysical properties (such as structural, functional, and spatial information, amino acid conservation, physicochemical variation, residue mobility, and thermodynamic stability) performed at Invitae indicates that this missense variant is not expected to disrupt SLC20A2 protein function. ClinVar contains an entry for this variant (Variation ID: 856453). This missense change has been observed in individual(s) with basal ganglia calcification (Invitae). This variant is not present in population databases (gnomAD no frequency). This sequence change replaces proline, which is neutral and non-polar, with arginine, which is basic and polar, at codon 286 of the SLC20A2 protein (p.Pro286Arg).

Ambry Genetics
Classification: Uncertain significance for Inborn genetic diseases. Last evaluated: 2023-03-24. Review status: criteria provided, single submitter. Criteria: Ambry Variant Classification Scheme 2023. Collection method: clinical testing. Allele origin: germline.

Victorian Clinical Genetics Services, Murdoch Childrens Research Institute
Classification: Uncertain significance for Idiopathic basal ganglia calcification 1. Last evaluated: 2019-08-28. Review status: criteria provided, single submitter. Criteria: ACMG Guidelines, 2015. Collection method: clinical testing. Allele origin: germline. Inheritance: Autosomal dominant inheritance. Affected: yes.
Comment: A heterozygous missense variant, NM_006749.4(SLC20A2):c.857C>G, has been identified in exon 7 of 11 of the SLC20A2 gene. The variant is predicted to result in a major amino acid change from proline to arginine at position 286 of the protein (NP_006740.1(SLC20A2):p.(Pro286Arg)). The proline at this position has very high conservation (100 vertebrates, UCSC), but is not located within a well established functional domain. In silico predictions for this variant are consistently pathogenic (Polyphen, SIFT, CADD, Mutation Taster). The variant is absent in population databases (gnomAD, dbSNP, 1000G). Two alternative residue changes have been reported in the gnomAD database at a frequency of 0.003% and 0.002%. This variant has not been previously reported in clinical cases. Based on the information available at the time of curation, this variant has been classified as VARIANT of UNCERTAIN SIGNIFICANCE (VUS).